The following is an entry in ClinVar:

NM_000301.5(PLG):c.560A>T (p.His187Leu)

Gene: PLG (plasminogen; plus strand). Cytogenetic location: 6q26.
Variant type: single nucleotide variant.
Coding change: c.560A>T on transcript NM_000301.5 (MANE Select); coding-DNA position 560, A replaced by T.
Protein change: p.His187Leu; replaces histidine 187 with leucine.
Molecular consequence: missense variant.
Genome position (GRCh38, 1-based): chr6:160,714,806, A>T. VCF-style: chr6-160714806-A-T. GRCh37 (hg19) VCF-style: chr6-161135838-A-T.
Other names: short protein forms H187L.
Identifiers: ClinVar variation 3613346 (VCV003613346.2).

ClinVar aggregate classification (germline): Uncertain significance (1 of 4 stars; one submission).

gnomAD v4.1: 4 of 1,613,728 alleles (0.00025%); highest among the groups gnomAD compares: Admixed American, 0.0067%; no homozygotes.

Submission:

Labcorp Genetics (formerly Invitae), Labcorp
Classification: Uncertain significance. Last evaluated: 2024-12-23. Review status: criteria provided, single submitter. Criteria: Invitae Variant Classification Sherloc (09022015). Collection method: clinical testing. Allele origin: germline.
Comment: This sequence change replaces histidine, which is basic and polar, with leucine, which is neutral and non-polar, at codon 187 of the PLG protein (p.His187Leu). This variant is present in population databases (no rsID available, gnomAD 0.006%). This variant has not been reported in the literature in individuals affected with PLG-related conditions. Invitae Evidence Modeling of protein sequence and biophysical properties (such as structural, functional, and spatial information, amino acid conservation, physicochemical variation, residue mobility, and thermodynamic stability) indicates that this missense variant is not expected to disrupt PLG protein function with a negative predictive value of 95%. In summary, the available evidence is currently insufficient to determine the role of this variant in disease. Therefore, it has been classified as a Variant of Uncertain Significance.